The following is an entry in ClinVar:

ClinVar aggregate classification (germline): Uncertain significance. Review status: criteria provided, multiple submitters, no conflicts (2 of 4 stars). 2 submissions from 2 submitters: Uncertain significance (2). Last evaluated 2025-01-03.

Conditions:
Inborn genetic diseases. Identifiers: MedGen C0950123, MeSH D030342.

Allele frequency attached by ClinVar (database versions not stated): TOPMed below 0.00001; gnomAD exomes 0.00001; ExAC 0.00002; gnomAD 0.00003.
gnomAD v4.1: 17 of 1,613,100 alleles (0.0011%); highest among the groups gnomAD compares: East Asian, 0.0089%; no homozygotes.

Submissions (2):

Ambry Genetics
Classification: Uncertain significance for Inborn genetic diseases. Last evaluated: 2025-01-03. Review status: criteria provided, single submitter. Criteria: Ambry Variant Classification Scheme 2023. Collection method: clinical testing. Allele origin: germline.

Labcorp Genetics (formerly Invitae), Labcorp
Classification: Uncertain significance. Last evaluated: 2022-03-13. Review status: criteria provided, single submitter. Criteria: Invitae Variant Classification Sherloc (09022015). Collection method: clinical testing. Allele origin: germline.
Comment: This sequence change replaces valine, which is neutral and non-polar, with alanine, which is neutral and non-polar, at codon 390 of the SLC24A5 protein (p.Val390Ala). The frequency data for this variant in the population databases is considered unreliable, as metrics indicate poor data quality at this position in the gnomAD database. This variant has not been reported in the literature in individuals affected with SLC24A5-related conditions. Algorithms developed to predict the effect of missense changes on protein structure and function are either unavailable or do not agree on the potential impact of this missense change (SIFT: "Deleterious"; PolyPhen-2: "Probably Damaging"; Align-GVGD: "Class C0"). In summary, the available evidence is currently insufficient to determine the role of this variant in disease. Therefore, it has been classified as a Variant of Uncertain Significance.

NM_205850.3(SLC24A5):c.1169T>C (p.Val390Ala)

Genes: MYEF2 (myelin expression factor 2; minus strand), SLC24A5 (solute carrier family 24 member 5; plus strand). Cytogenetic location: 15q21.1.
Variant type: single nucleotide variant.
Coding change: c.1169T>C on transcript NM_205850.3 (MANE Select); coding-DNA position 1169, T replaced by C.
Protein change: p.Val390Ala; replaces valine 390 with alanine.
Molecular consequence: missense variant. On other transcripts: 3 prime UTR variant (2).
Genome position (GRCh38, 1-based): chr15:48,141,203, T>C. VCF-style: chr15-48141203-T-C. GRCh37 (hg19) VCF-style: chr15-48433400-T-C.
Other names: c.*1705A>G (NM_001301210.2, NM_016132.5); short protein forms V390A.
Identifiers: ClinVar variation 1990286 (VCV001990286.3), dbSNP rs779316920, ClinGen allele CA7546068.